The following is an entry in ClinVar:

ClinVar aggregate classification (germline): Pathogenic (1 of 4 stars; one submission).

Conditions:
AQP1-related pulmonary hypertension.

Submission:

Molecular Genetics Laboratory, Motol Hospital
Classification: Pathogenic for AQP1-related pulmonary hypertension. Last evaluated: 2025-09-26. Review status: criteria provided, single submitter. Criteria: ACMG Guidelines, 2015. Collection method: clinical testing. Allele origin: de novo. Affected: yes. Observed: 1 variant allele.
Comment: The variant is not present in gnomAD (v4.1.0), dbSNP or ClinVar (PM2). Rare missense variants affecting the AQP1 gene are associated with pulmonary arterial hypertension (PMID:35627312;PMID:29650961). In silico prediction tools support a deleterious effect on the gene (PP3). To conclude, the variant is classified as pathogenic (ACMG PM2, PP3, PS2).

Literature cited by the submitters: PubMed 35627312; PubMed 29650961.

NM_198098.4(AQP1):c.587C>G (p.Ser196Cys)

Gene: AQP1 (aquaporin 1 (Colton blood group); plus strand). Cytogenetic location: 7p14.3.
Variant type: single nucleotide variant.
Coding change: c.587C>G on transcript NM_198098.4 (MANE Select); coding-DNA position 587, C replaced by G.
Protein change: p.Ser196Cys; replaces serine 196 with cysteine.
Molecular consequence: missense variant.
Genome position (GRCh38, 1-based): chr7:30,922,601, C>G. VCF-style: chr7-30922601-C-G. GRCh37 (hg19) VCF-style: chr7-30962216-C-G.
Other names: c.587C>G, p.Ser196Cys (NM_001329872.2); short protein forms S196C.
Identifiers: ClinVar variation 4087716 (VCV004087716.1).